The following is an entry in ClinVar:

ClinVar aggregate classification (germline): Benign. Review status: criteria provided, single submitter (1 of 4 stars). 2 submissions from 2 submitters: Benign (1). 1 of the submissions does not count toward it. Last evaluated 2018-07-31.

Conditions:
BMP5-related disorder. Also called: BMP5-related condition.

Submissions (2):

Labcorp Genetics (formerly Invitae), Labcorp
Classification: Benign. Last evaluated: 2018-07-31. Review status: criteria provided, single submitter. Criteria: Invitae Variant Classification Sherloc (09022015). Collection method: clinical testing. Allele origin: germline.

PreventionGenetics, part of Exact Sciences
Classification: Likely benign for BMP5-related condition. Last evaluated: 2019-03-12. Review status: no assertion criteria provided. Collection method: clinical testing. Allele origin: germline. Not counted in ClinVar's aggregate classification.
Comment: This variant is classified as likely benign based on ACMG/AMP sequence variant interpretation guidelines (Richards et al. 2015 PMID: 25741868, with internal and published modifications).

NM_021073.4(BMP5):c.1105-29GT[13]

Gene: BMP5 (bone morphogenetic protein 5; minus strand). Cytogenetic location: 6p12.1.
Variant type: Microsatellite.
Coding change: c.1105-29GT[13] on transcript NM_021073.4 (MANE Select); 13 copies in a row of the 2-base unit GT starting at c.1105-29; the reference has ten copies in a row; three copies, 6 bases duplicated.
Molecular consequence: intron variant.
Genome position (GRCh38, 1-based): chr6:55,759,125-55,759,130, ACACAC duplicated on the plus strand (GTGTGT on the coding strand, the reverse complement: BMP5 is on the minus strand); duplicating any 6 consecutive bases within chr6:55,759,125-55,759,145 gives the same sequence; the position shown is the placement nearest the transcript's 3' end. VCF-style (leftmost placement, unchanged base first): chr6-55759124-T-TACACAC. GRCh37 (hg19) VCF-style: chr6-55623922-T-TACACAC.
Other names: c.1028-3462GT[13] (NM_001329756.2); c.1104+1313GT[13] (NM_001329754.2); c.1105-15_1105-10dup6 (NM_021073.3).
Identifiers: ClinVar variation 735236 (VCV000735236.5), dbSNP rs749127959, ClinGen allele CA3864659.
Genomic context (GRCh38, chr6:55,759,124, plus strand): 5'-ATTCTCCATCACAATAAAATGCAGCGTATCCTTCTGGTGCTATAATCCAGTCCTGACACA[T>TACACAC]ACACACACACACACACACACAAAAAAAAAAAAAAAAAAAAAAAAAAAAAAAAAAAAAAAC-3'